The following is an entry in ClinVar:

ClinVar aggregate classification (germline): Uncertain significance. Review status: criteria provided, multiple submitters, no conflicts (2 of 4 stars). 7 submissions from 5 submitters: Uncertain significance (7). Last evaluated 2026-08-03.

Conditions:
SPG11-related disorder. Also called: SPG11-related condition.
Hereditary spastic paraplegia 11. Also called: Spastic paraplegia, mental retardation and thin corpus callosum; SPASTIC PARAPLEGIA, AUTOSOMAL RECESSIVE, COMPLICATED, WITH THIN CORPUS CALLOSUM; SPASTIC PARAPLEGIA, AUTOSOMAL RECESSIVE, WITH MENTAL IMPAIRMENT AND THIN CORPUS CALLOSUM; Spastic Paraplegia 11; Nakamura Osame syndrome; Autosomal recessive hereditary spastic paraplegia, mental impairment, and thin corpus callosum. Identifiers: Orphanet 2822, MedGen C1858479, MONDO:0011445, OMIM 604360.
Amyotrophic lateral sclerosis type 5 (ALS5). Also called: AMYOTROPHIC LATERAL SCLEROSIS 5, JUVENILE. Identifiers: Orphanet 300605, MedGen C1865864, MONDO:0011196, OMIM 602099.
Inborn genetic diseases. Identifiers: MedGen C0950123, MeSH D030342.
Charcot-Marie-Tooth disease axonal type 2X. Also called: CHARCOT-MARIE-TOOTH DISEASE, AXONAL, AUTOSOMAL RECESSIVE, TYPE 2X; CHARCOT-MARIE-TOOTH NEUROPATHY, TYPE 2X. Identifiers: Orphanet 466775, MedGen C5569024, MONDO:0014726, OMIM 616668.

Allele frequency attached by ClinVar (database versions not stated): ExAC 0.00002; gnomAD 0.00002; TOPMed 0.00004.
gnomAD v4.1: 17 of 1,614,056 alleles (0.0011%); highest among the groups gnomAD compares: Admixed American, 0.027%; no homozygotes.

Submissions (7):

PreventionGenetics, part of Exact Sciences
Classification: Uncertain significance for SPG11-related condition. Last evaluated: 2026-08-03. Review status: criteria provided, single submitter. Criteria: ACMG Guidelines, 2015. Collection method: clinical testing. Allele origin: germline.
Comment: The SPG11 c.4798G>A variant is predicted to result in the amino acid substitution p.Asp1600Asn. To our knowledge, this variant has not been reported in the literature. This variant is reported in 0.040% of alleles in individuals of Latino descent in gnomAD. At this time, the clinical significance of this variant is uncertain due to the absence of conclusive functional and genetic evidence.

Ambry Genetics
Classification: Uncertain significance for Inborn genetic diseases. Last evaluated: 2025-02-05. Review status: criteria provided, single submitter. Criteria: Ambry Variant Classification Scheme 2023. Collection method: clinical testing. Allele origin: germline.

Labcorp Genetics (formerly Invitae), Labcorp
Classification: Uncertain significance for Hereditary spastic paraplegia 11. Last evaluated: 2024-10-15. Review status: criteria provided, single submitter. Criteria: Invitae Variant Classification Sherloc (09022015). Collection method: clinical testing. Allele origin: germline.
Comment: This sequence change replaces aspartic acid, which is acidic and polar, with asparagine, which is neutral and polar, at codon 1600 of the SPG11 protein (p.Asp1600Asn). This variant is present in population databases (rs770380861, gnomAD 0.04%). This variant has not been reported in the literature in individuals affected with SPG11-related conditions. ClinVar contains an entry for this variant (Variation ID: 316090). Invitae Evidence Modeling of protein sequence and biophysical properties (such as structural, functional, and spatial information, amino acid conservation, physicochemical variation, residue mobility, and thermodynamic stability) indicates that this missense variant is not expected to disrupt SPG11 protein function with a negative predictive value of 80%. In summary, the available evidence is currently insufficient to determine the role of this variant in disease. Therefore, it has been classified as a Variant of Uncertain Significance.

Illumina Laboratory Services, Illumina
Classification: Uncertain significance for Hereditary spastic paraplegia 11. Last evaluated: 2018-01-12. Review status: criteria provided, single submitter. Criteria: ICSL Variant Classification Criteria 13 December 2019. Collection method: clinical testing. Allele origin: germline.

Genome-Nilou Lab
Classification: Uncertain significance for Amyotrophic lateral sclerosis type 5. Review status: criteria provided, single submitter. Criteria: ACMG Guidelines, 2015. Collection method: clinical testing. Allele origin: germline.

Genome-Nilou Lab
Classification: Uncertain significance for Charcot-Marie-Tooth disease axonal type 2X. Review status: criteria provided, single submitter. Criteria: ACMG Guidelines, 2015. Collection method: clinical testing. Allele origin: germline.

Genome-Nilou Lab
Classification: Uncertain significance for Hereditary spastic paraplegia 11. Review status: criteria provided, single submitter. Criteria: ACMG Guidelines, 2015. Collection method: clinical testing. Allele origin: germline.

NM_025137.4(SPG11):c.4798G>A (p.Asp1600Asn)

Gene: SPG11 (SPG11 vesicle trafficking associated, spatacsin; minus strand). Cytogenetic location: 15q21.1.
Variant type: single nucleotide variant.
Coding change: c.4798G>A on transcript NM_025137.4 (MANE Select); coding-DNA position 4798, G replaced by A.
Protein change: p.Asp1600Asn; replaces aspartic acid 1600 with asparagine.
Molecular consequence: missense variant.
Genome position (GRCh38, 1-based): chr15:44,589,360, C>T on the plus strand (G>A on the coding strand, the complement: SPG11 is on the minus strand). VCF-style: chr15-44589360-C-T. GRCh37 (hg19) VCF-style: chr15-44881558-C-T.
Other names: c.4798G>A, p.Asp1600Asn (NM_001160227.2); short protein forms D1600N.
Identifiers: ClinVar variation 316090 (VCV000316090.15), dbSNP rs770380861, ClinGen allele CA7534578.